The following is an entry in ClinVar:

ClinVar aggregate classification (germline): Uncertain significance. Review status: criteria provided, multiple submitters, no conflicts (2 of 4 stars). 3 submissions from 3 submitters: Uncertain significance (3). Last evaluated 2025-05-06.

Conditions:
Inborn genetic diseases. Identifiers: MedGen C0950123, MeSH D030342.
Chédiak-Higashi syndrome (CHS). Also called: Chediak-Higashi Syndrome. Identifiers: Orphanet 167, MedGen C0007965, MONDO:0008963, OMIM 214500.

Allele frequency attached by ClinVar (database versions not stated): TOPMed 0.00001; ExAC 0.00002; gnomAD 0.00002; gnomAD exomes 0.00002.
gnomAD v4.1: 32 of 1,613,790 alleles (0.002%); highest among the groups gnomAD compares: South Asian, 0.014%; no homozygotes.

Submissions (3):

Ambry Genetics
Classification: Uncertain significance for Inborn genetic diseases. Last evaluated: 2025-05-06. Review status: criteria provided, single submitter. Criteria: Ambry Variant Classification Scheme 2023. Collection method: clinical testing. Allele origin: germline.

GeneDx
Classification: Uncertain significance. Last evaluated: 2025-03-10. Review status: criteria provided, single submitter. Criteria: GeneDx Variant Classification Process June 2021. Collection method: clinical testing. Allele origin: germline. Affected: yes.
Comment: Not observed at significant frequency in large population cohorts (gnomAD); In silico analysis supports that this missense variant has a deleterious effect on protein structure/function; Has not been previously published as pathogenic or benign to our knowledge

Labcorp Genetics (formerly Invitae), Labcorp
Classification: Uncertain significance for Chédiak-Higashi syndrome. Last evaluated: 2022-07-06. Review status: criteria provided, single submitter. Criteria: Invitae Variant Classification Sherloc (09022015). Collection method: clinical testing. Allele origin: germline.
Comment: This sequence change replaces proline, which is neutral and non-polar, with leucine, which is neutral and non-polar, at codon 319 of the LYST protein (p.Pro319Leu). This variant is present in population databases (rs777161620, gnomAD 0.007%). This variant has not been reported in the literature in individuals affected with LYST-related conditions. ClinVar contains an entry for this variant (Variation ID: 1349766). Algorithms developed to predict the effect of missense changes on protein structure and function are either unavailable or do not agree on the potential impact of this missense change (SIFT: "Deleterious"; PolyPhen-2: "Probably Damaging"; Align-GVGD: "Class C0"). In summary, the available evidence is currently insufficient to determine the role of this variant in disease. Therefore, it has been classified as a Variant of Uncertain Significance.

NM_000081.4(LYST):c.956C>T (p.Pro319Leu)

Gene: LYST (lysosomal trafficking regulator; minus strand). Cytogenetic location: 1q42.3.
Variant type: single nucleotide variant.
Coding change: c.956C>T on transcript NM_000081.4 (MANE Select); coding-DNA position 956, C replaced by T.
Protein change: p.Pro319Leu; replaces proline 319 with leucine.
Molecular consequence: missense variant.
Genome position (GRCh38, 1-based): chr1:235,809,862, G>A on the plus strand (C>T on the coding strand, the complement: LYST is on the minus strand). VCF-style: chr1-235809862-G-A. GRCh37 (hg19) VCF-style: chr1-235973162-G-A.
Other names: c.956C>T (NM_000081.2); c.956C>T, p.Pro319Leu (NM_001301365.1); short protein forms P319L.
Identifiers: ClinVar variation 1349766 (VCV001349766.7), dbSNP rs777161620, ClinGen allele CA1467534.